The following is an entry in ClinVar:

NM_001385012.1(NBEA):c.4923C>T (p.Tyr1641=)

Gene: NBEA (neurobeachin; plus strand). Cytogenetic location: 13q13.3.
Variant type: single nucleotide variant.
Coding change: c.4923C>T on transcript NM_001385012.1 (MANE Select); coding-DNA position 4923, C replaced by T.
Protein change: p.Tyr1641=; no amino-acid change (tyrosine 1641 retained).
Molecular consequence: synonymous variant.
Genome position (GRCh38, 1-based): chr13:35,184,067, C>T. VCF-style: chr13-35184067-C-T. GRCh37 (hg19) VCF-style: chr13-35758204-C-T.
Other names: c.4914C>T, p.Tyr1638= (NM_001379245.1); c.4923C>T, p.Tyr1641= (NM_015678.5).
Identifiers: ClinVar variation 4821992 (VCV004821992.4).

ClinVar aggregate classification (germline): Likely benign (1 of 4 stars; one submission).

gnomAD v4.1: 10 of 1,606,540 alleles (0.00062%); highest among the groups gnomAD compares: African/African-American, 0.013%; no homozygotes.

Submission:

CeGaT Center for Human Genetics Tuebingen
Classification: Likely benign. Last evaluated: 2026-01-01. Review status: criteria provided, single submitter. Criteria: CeGaT Center For Human Genetics Tuebingen Variant Classification Criteria Version 2. Collection method: clinical testing. Allele origin: germline. Affected: yes. Observed: 1 variant allele.
Comment: NBEA: BP4, BP7